The following is an entry in ClinVar:

ClinVar aggregate classification (germline): Likely benign (1 of 4 stars; one submission).

Submission:

CeGaT Center for Human Genetics Tuebingen
Classification: Likely benign. Last evaluated: 2025-09-01. Review status: criteria provided, single submitter. Criteria: CeGaT Center For Human Genetics Tuebingen Variant Classification Criteria Version 2. Collection method: clinical testing. Allele origin: germline. Affected: yes. Observed: 1 variant allele.
Comment: MUC5AC: PM2:Supporting, BP4, BP7

NM_001304359.2(MUC5AC):c.1242C>G (p.Thr414=)

Gene: MUC5AC (mucin 5AC, oligomeric mucus/gel-forming; plus strand). Cytogenetic location: 11p15.5.
Variant type: single nucleotide variant.
Coding change: c.1242C>G on transcript NM_001304359.2 (MANE Select); coding-DNA position 1242, C replaced by G.
Protein change: p.Thr414=; no amino-acid change (threonine 414 retained).
Molecular consequence: synonymous variant.
Genome position (GRCh38, 1-based): chr11:1,165,414, C>G. VCF-style: chr11-1165414-C-G. GRCh37 (hg19) VCF-style: chr11-1159064-C-G.
Identifiers: ClinVar variation 4281455 (VCV004281455.7).